The following is an entry in ClinVar:

NM_000038.6(APC):c.2830A>C (p.Asn944His)

Gene: APC (APC regulator of Wnt signaling pathway; plus strand). Cytogenetic location: 5q22.2.
Variant type: single nucleotide variant.
Coding change: c.2830A>C on transcript NM_000038.6 (MANE Select); coding-DNA position 2830, A replaced by C.
Protein change: p.Asn944His; replaces asparagine 944 with histidine.
Molecular consequence: missense variant.
Genome position (GRCh38, 1-based): chr5:112,838,424, A>C. VCF-style: chr5-112838424-A-C. GRCh37 (hg19) VCF-style: chr5-112174121-A-C.
Other names: c.2830A>C, p.Asn944His (NM_001127510.3, NM_001354895.2); c.2776A>C, p.Asn926His (NM_001127511.3); c.2884A>C, p.Asn962His (NM_001354896.2); c.2860A>C, p.Asn954His (NM_001354897.2); c.2755A>C, p.Asn919His (NM_001354898.2); c.2746A>C, p.Asn916His (NM_001354899.2); c.2707A>C, p.Asn903His (NM_001354900.2); c.2653A>C, p.Asn885His (NM_001354901.2); and 5 more; short protein forms N661H, N843H, N903H, N916H, N954H, N962H, N784H, N853H.
Identifiers: ClinVar variation 821870 (VCV000821870.5), dbSNP rs749720558, ClinGen allele CA16027503.

ClinVar aggregate classification (germline): Uncertain significance. Review status: criteria provided, multiple submitters, no conflicts (2 of 4 stars). 2 submissions from 2 submitters: Uncertain significance (2). Last evaluated 2025-02-25.

Conditions:
Hereditary cancer-predisposing syndrome. Also called: Tumor predisposition; Hereditary Cancer Syndrome; Neoplastic Syndromes, Hereditary; Hereditary neoplastic syndrome. Identifiers: Orphanet 140162, MedGen C0027672, MeSH D009386, MONDO:0015356.
Familial adenomatous polyposis 1 (FAP1). Also called: FAMILIAL ADENOMATOUS POLYPOSIS 1, ATTENUATED; POLYPOSIS, ADENOMATOUS INTESTINAL. Identifiers: MedGen C2713442, MONDO:0021056, OMIM 175100. Disease mechanism: loss of function.

gnomAD v4.1: 1 of 1,614,246 alleles (0.000062%); highest among the groups gnomAD compares: Non-Finnish European, 0.000085%; no homozygotes.

Submissions (2):

Labcorp Genetics (formerly Invitae), Labcorp
Classification: Uncertain significance for Familial adenomatous polyposis 1. Last evaluated: 2025-02-25. Review status: criteria provided, single submitter. Criteria: Invitae Variant Classification Sherloc (09022015). Collection method: clinical testing. Allele origin: germline.
Comment: This sequence change replaces asparagine, which is neutral and polar, with histidine, which is basic and polar, at codon 944 of the APC protein (p.Asn944His). This variant is not present in population databases (gnomAD no frequency). This variant has not been reported in the literature in individuals affected with APC-related conditions. ClinVar contains an entry for this variant (Variation ID: 821870). Invitae Evidence Modeling of protein sequence and biophysical properties (such as structural, functional, and spatial information, amino acid conservation, physicochemical variation, residue mobility, and thermodynamic stability) indicates that this missense variant is not expected to disrupt APC protein function with a negative predictive value of 95%. In summary, the available evidence is currently insufficient to determine the role of this variant in disease. Therefore, it has been classified as a Variant of Uncertain Significance.

Ambry Genetics
Classification: Uncertain significance for Hereditary cancer-predisposing syndrome. Last evaluated: 2019-09-20. Review status: criteria provided, single submitter. Criteria: Ambry Variant Classification Scheme 2023. Collection method: clinical testing. Allele origin: germline.
Comment: The p.N944H variant (also known as c.2830A>C), located in coding exon 15 of the APC gene, results from an A to C substitution at nucleotide position 2830. The asparagine at codon 944 is replaced by histidine, an amino acid with similar properties. This amino acid position is not well conserved in available vertebrate species. In addition, in silico predictors for this gene do not accurately predict pathogenicity. Since supporting evidence is limited at this time, the clinical significance of this alteration remains unclear.